The following is an entry in ClinVar:

ClinVar aggregate classification (germline): Uncertain significance (1 of 4 stars; one submission).

Conditions:
Neurofibromatosis, type 1 (NF1). Also called: VON RECKLINGHAUSEN DISEASE; Peripheral type neurofibromatosis; NEUROFIBROMATOSIS, TYPE I, SOMATIC; Neurofibromatosis, type I. Identifiers: Orphanet 636, MedGen C0027831, MONDO:0018975, OMIM 162200. Disease mechanism: loss of function.

Submission:

Labcorp Genetics (formerly Invitae), Labcorp
Classification: Uncertain significance for Neurofibromatosis, type 1. Last evaluated: 2025-02-02. Review status: criteria provided, single submitter. Criteria: Invitae Variant Classification Sherloc (09022015). Collection method: clinical testing. Allele origin: germline.
Comment: This sequence change falls in intron 30 of the NF1 gene. It does not directly change the encoded amino acid sequence of the NF1 protein. This variant is not present in population databases (gnomAD no frequency). This variant has not been reported in the literature in individuals affected with NF1-related conditions. Experimental studies and prediction algorithms are not available or were not evaluated, and the effect of this variant on mRNA splicing is currently unknown. In summary, the available evidence is currently insufficient to determine the role of this variant in disease. Therefore, it has been classified as a Variant of Uncertain Significance.

NM_001042492.3(NF1):c.4110+937_4110+988del

Gene: NF1 (neurofibromin 1; plus strand). Cytogenetic location: 17q11.2.
Variant type: Deletion.
Coding change: c.4110+937_4110+988del on transcript NM_001042492.3 (MANE Select); bases 937 to 988 of the intron after coding-DNA position 4110, 52 bases deleted.
Molecular consequence: intron variant.
Genome position (GRCh38, 1-based): chr17:31,250,056-31,250,107, 52 bases deleted. GRCh37 (hg19): chr17:29,577,074-29,577,125.
Other names: c.4110+937_4110+988del (NM_000267.4).
Identifiers: ClinVar variation 4712124 (VCV004712124.1).